The following is an entry in ClinVar:

ClinVar aggregate classification (germline): Uncertain significance. Review status: criteria provided, multiple submitters, no conflicts (2 of 4 stars). 2 submissions from 2 submitters: Uncertain significance (2). Last evaluated 2024-11-29.

Conditions:
Epidermolysis bullosa simplex 5B, with muscular dystrophy (EBS5B). Also called: EPIDERMOLYSIS BULLOSA SIMPLEX AND LIMB-GIRDLE MUSCULAR DYSTROPHY; Epidermolysis bullosa simplex with muscular dystrophy. Identifiers: Orphanet 257, MedGen C2931072, MONDO:0009181, OMIM 226670.
Epidermolysis bullosa simplex with nail dystrophy (EBS5D). Identifiers: MedGen C4225309, MONDO:0014661, OMIM 616487.
Epidermolysis bullosa simplex 5C, with pyloric atresia (EBS5C). Also called: PLEC-Related Epidermolysis Bullosa with Pyloric Atresia; Epidermolysis bullosa simplex with pyloric atresia; PLEC1-Related Epidermolysis Bullosa with Pyloric Atresia. Identifiers: Orphanet 158684, MedGen C2677349, MONDO:0012807, OMIM 612138.
Autosomal recessive limb-girdle muscular dystrophy type 2Q (LGMDR17). Also called: MUSCULAR DYSTROPHY, LIMB-GIRDLE, AUTOSOMAL RECESSIVE 17. Identifiers: Orphanet 254361, MedGen C3150989, MONDO:0013390, OMIM 613723.
Epidermolysis bullosa simplex, Ogna type (EBS5A). Also called: EPIDERMOLYSIS BULLOSA SIMPLEX 5A, OGNA TYPE; Pidermolysis bullosa simplex 5A, Ogna type. Identifiers: Orphanet 79401, MedGen C0432317, MONDO:0007555, OMIM 131950.

Allele frequency attached by ClinVar (database versions not stated): ExAC 0.00001; gnomAD exomes 0.00001.
gnomAD v4.1: 6 of 1,604,034 alleles (0.00037%); highest among the groups gnomAD compares: Non-Finnish European, 0.00051%; no homozygotes.

Submissions (2):

Labcorp Genetics (formerly Invitae), Labcorp
Classification: Uncertain significance for Autosomal recessive limb-girdle muscular dystrophy type 2Q; Epidermolysis bullosa simplex, Ogna type; Epidermolysis bullosa simplex with nail dystrophy; Epidermolysis bullosa simplex 5C, with pyloric atresia; Epidermolysis bullosa simplex 5B, with muscular dystrophy. Last evaluated: 2024-11-29. Review status: criteria provided, single submitter. Criteria: Invitae Variant Classification Sherloc (09022015). Collection method: clinical testing. Allele origin: germline.
Comment: This sequence change replaces threonine, which is neutral and polar, with alanine, which is neutral and non-polar, at codon 4257 of the PLEC protein (p.Thr4257Ala). This variant is present in population databases (rs782103602, gnomAD 0.0009%). This variant has not been reported in the literature in individuals affected with PLEC-related conditions. ClinVar contains an entry for this variant (Variation ID: 2435029). An algorithm developed to predict the effect of missense changes on protein structure and function outputs the following: PolyPhen-2: "Benign". The alanine amino acid residue is found in multiple mammalian species, which suggests that this missense change does not adversely affect protein function. In summary, the available evidence is currently insufficient to determine the role of this variant in disease. Therefore, it has been classified as a Variant of Uncertain Significance.

Revvity Omics, Revvity
Classification: Uncertain significance. Last evaluated: 2019-05-28. Review status: criteria provided, single submitter. Criteria: ACMG Guidelines, 2015. Collection method: clinical testing. Allele origin: germline.

NM_201384.3(PLEC):c.12688A>G (p.Thr4230Ala)

Gene: PLEC (plectin; minus strand). Cytogenetic location: 8q24.3.
Variant type: single nucleotide variant.
Coding change: c.12688A>G on transcript NM_201384.3 (MANE Select); coding-DNA position 12688, A replaced by G.
Protein change: p.Thr4230Ala; replaces threonine 4230 with alanine.
Molecular consequence: missense variant.
Genome position (GRCh38, 1-based): chr8:143,917,133, T>C on the plus strand (A>G on the coding strand, the complement: PLEC is on the minus strand). VCF-style: chr8-143917133-T-C. GRCh37 (hg19) VCF-style: chr8-144991301-T-C.
Other names: c.13099A>G, p.Thr4367Ala (NM_201380.4); c.12592A>G, p.Thr4198Ala (NM_201381.3); c.12688A>G, p.Thr4230Ala (NM_201382.4); c.12700A>G, p.Thr4234Ala (NM_201383.3); c.12769A>G, p.Thr4257Ala (NM_000445.5); c.9388A>G, p.Thr3130Ala (NM_001410941.1); c.12646A>G, p.Thr4216Ala (NM_201378.4); c.12622A>G, p.Thr4208Ala (NM_201379.3); short protein forms T3130A, T4198A, T4208A, T4216A, T4230A, T4234A, T4257A, T4367A.
Identifiers: ClinVar variation 2435029 (VCV002435029.5), dbSNP rs782103602, ClinGen allele CA4924011.